The following is an entry in ClinVar:

NM_000368.5(TSC1):c.2023del (p.Asp675fs)

Gene: TSC1 (TSC complex subunit 1; minus strand). Cytogenetic location: 9q34.13.
Variant type: Deletion.
Coding change: c.2023del on transcript NM_000368.5 (MANE Select); coding-DNA position 2023, one base deleted (G; older notation c.2023delG).
Protein change: p.Asp675fs; shifts the reading frame from aspartic acid 675.
Molecular consequence: frameshift variant.
Genome position (GRCh38, 1-based): chr9:132,904,429, C deleted on the plus strand (G on the coding strand, the reverse complement: TSC1 is on the minus strand). VCF-style (leftmost placement, unchanged base first): chr9-132904428-TC-T. GRCh37 (hg19) VCF-style: chr9-135779815-TC-T.
Other names: c.2023delG (NM_000368.4); c.2020del, p.Asp674fs (NM_001162426.2); c.1870del, p.Asp624fs (NM_001162427.2); c.1660del, p.Asp554fs (NM_001362177.2); short protein forms D554fs, D624fs, D674fs.
Identifiers: ClinVar variation 48873 (VCV000048873.11), dbSNP rs118203620, ClinGen allele CA005786.

ClinVar aggregate classification (germline): Pathogenic. Review status: criteria provided, multiple submitters, no conflicts (2 of 4 stars). 8 submissions from 8 submitters: Pathogenic (5). 3 of the submissions do not count toward it. Last evaluated 2025-06-23.

Conditions:
Tuberous sclerosis syndrome (TSC). Also called: Tuberous Sclerosis Complex; Tuberous sclerosis. Identifiers: Orphanet 805, MedGen C0041341, MONDO:0001734.
Tuberous sclerosis 1 (TSC1). Identifiers: Orphanet 805, MedGen C1854465, MONDO:0008612, OMIM 191100.
TSC1-related disorder. Also called: TSC1-related condition.
Hereditary cancer-predisposing syndrome. Also called: Neoplastic Syndromes, Hereditary; Hereditary neoplastic syndrome; Hereditary Cancer Syndrome; Tumor predisposition. Identifiers: Orphanet 140162, MedGen C0027672, MeSH D009386, MONDO:0015356.

Submissions (8):

Ambry Genetics
Classification: Pathogenic for Hereditary cancer-predisposing syndrome. Last evaluated: 2025-06-23. Review status: criteria provided, single submitter. Criteria: Ambry Variant Classification Scheme 2023. Collection method: clinical testing. Allele origin: germline.
Comment: The c.2023delG pathogenic mutation, located in coding exon 14 of the TSC1 gene, results from a deletion of one nucleotide at nucleotide position 2023, causing a translational frameshift with a predicted alternate stop codon (p.D675Tfs*49). This variant has been identified in individual(s) with features consistent with tuberous sclerosis complex (TSC) and a definite or probable clinical diagnosis of TSC (Ambry internal data; Au KS et al. Genet Med, 2007 Feb;9:88-100; Crino PB et al. Neurology, 2010 May;74:1716-23). This variant is considered to be rare based on population cohorts in the Genome Aggregation Database (gnomAD). This alteration is expected to result in loss of function by premature protein truncation or nonsense-mediated mRNA decay. As such, this alteration is interpreted as a disease-causing mutation.

GeneDx
Classification: Pathogenic. Last evaluated: 2024-08-12. Review status: criteria provided, single submitter. Criteria: GeneDx Variant Classification Process June 2021. Collection method: clinical testing. Allele origin: germline. Affected: yes.
Comment: Reported previously through TSC1 sequencing analysis in one individual with sporadic tuberous sclerosis (PMID: 17304050); Frameshift variant predicted to result in protein truncation or nonsense mediated decay in a gene for which loss of function is a known mechanism of disease; Not observed at significant frequency in large population cohorts (gnomAD); This variant is associated with the following publications: (PMID: 31295639, 20498439, 17304050)

PreventionGenetics, part of Exact Sciences
Classification: Pathogenic for TSC1-related condition. Last evaluated: 2022-10-17. Review status: criteria provided, single submitter. Criteria: ACMG Guidelines, 2015. Collection method: clinical testing. Allele origin: germline.
Comment: The TSC1 c.2023delG variant is predicted to result in a frameshift and premature protein termination (p.Asp675Thrfs*49). This variant has been reported in an individual with tuberous sclerosis complex (Table 1, Crino et al. 2010. PubMed ID: 20498439). This variant has not been reported in a large population database, indicating this variant is rare. It is interpreted as pathogenic in ClinVar. Frameshift variants in TSC1 are expected to be pathogenic. This variant is interpreted as pathogenic.

Athena Diagnostics
Classification: Pathogenic. Last evaluated: 2017-08-02. Review status: criteria provided, single submitter. Criteria: Athena Diagnostics Criteria. Collection method: clinical testing. Allele origin: germline.

Clinical Genetics Service, Universitary Hospital 12 de Octubre
Classification: Pathogenic for Tuberous sclerosis 1. Review status: criteria provided, single submitter. Criteria: ACMG Guidelines, 2015. Collection method: clinical testing. Allele origin: germline. Affected: yes.

Clinical Genetics DNA and cytogenetics Diagnostics Lab, Erasmus MC, Erasmus Medical Center
Classification: Pathogenic. Review status: no assertion criteria provided. Collection method: clinical testing. Allele origin: germline. Affected: yes. Study: VKGL Data-share Consensus. Not counted in ClinVar's aggregate classification.

Diagnostic Laboratory, Department of Genetics, University Medical Center Groningen
Classification: Pathogenic. Review status: no assertion criteria provided. Collection method: clinical testing. Allele origin: germline. Affected: yes. Study: VKGL Data-share Consensus. Not counted in ClinVar's aggregate classification.

Tuberous sclerosis database (TSC1)
No classification provided. Condition: TSC. Review status: no classification provided. Criteria: Tuberous Sclerosis Database Assertion Criteria 2015. Collection method: curation. Allele origin: germline. Affected: yes. Not counted in ClinVar's aggregate classification.

Literature cited by the submitters: PubMed 17304050 (cited by Ambry Genetics and Athena Diagnostics); PubMed 20498439 (cited by Ambry Genetics and Athena Diagnostics).